The following is an entry in ClinVar:

NM_014847.4(UBAP2L):c.559C>T (p.Arg187Ter)

Gene: UBAP2L (ubiquitin associated protein 2 like; plus strand). Cytogenetic location: 1q21.3.
Variant type: single nucleotide variant.
Coding change: c.559C>T on transcript NM_014847.4 (MANE Select); coding-DNA position 559, C replaced by T.
Protein change: p.Arg187Ter; replaces arginine 187 with a stop codon.
Molecular consequence: nonsense.
Genome position (GRCh38, 1-based): chr1:154,236,580, C>T. VCF-style: chr1-154236580-C-T. GRCh37 (hg19) VCF-style: chr1-154209056-C-T.
Other names: c.559C>T, p.Arg187Ter (NM_001375615.1, NM_001375616.1, NM_001375618.1 and 14 more transcripts); c.592C>T, p.Arg198Ter (NM_001375617.1, NM_001287816.1, NM_001330730.1 and 2 more transcripts); c.538C>T, p.Arg180Ter (NM_001287815.1); short protein forms R198*, R180*, R187*.
Identifiers: ClinVar variation 3639923 (VCV003639923.3).

ClinVar aggregate classification (germline): Pathogenic/Likely pathogenic. Review status: criteria provided, multiple submitters, no conflicts (2 of 4 stars). 2 submissions from 2 submitters: Pathogenic (1); Likely pathogenic (1). Last evaluated 2024-02-09.

Conditions:
Neurodevelopmental disorder with impaired language, behavioral abnormalities, and dysmorphic facies (NEDLBF). Identifiers: MedGen C5882686, MONDO:0957588, OMIM 620494.

Submissions (2):

Labcorp Genetics (formerly Invitae), Labcorp
Classification: Pathogenic. Last evaluated: 2024-02-09. Review status: criteria provided, single submitter. Criteria: Invitae Variant Classification Sherloc (09022015). Collection method: clinical testing. Allele origin: germline.
Comment: This sequence change creates a premature translational stop signal (p.Arg187*) in the UBAP2L gene. It is expected to result in an absent or disrupted protein product. Loss-of-function variants in UBAP2L are known to be pathogenic (PMID: 35977029). This variant is not present in population databases (gnomAD no frequency). This variant has not been reported in the literature in individuals affected with UBAP2L-related conditions. For these reasons, this variant has been classified as Pathogenic.

3billion
Classification: Likely pathogenic for Neurodevelopmental disorder with impaired language, behavioral abnormalities, and dysmorphic facies. Last evaluated: 2023-09-12. Review status: criteria provided, single submitter. Criteria: ACMG Guidelines, 2015. Collection method: clinical testing. Allele origin: germline. Affected: yes.
Comment: The variant is not observed in the gnomAD v2.1.1 dataset. Predicted Consequence/Location: Stop-gained (nonsense): predicted to result in a loss or disruption of normal protein function through nonsense-mediated decay (NMD) or protein truncation. Multiple pathogenic variants are reported downstream of the variant. Therefore, this variant is classified as Likely pathogenic according to the recommendation of ACMG/AMP guideline.

Literature cited by the submitters: PubMed 35977029 (cited by Labcorp Genetics (formerly Invitae), Labcorp).